The following is an entry in ClinVar:

ClinVar aggregate classification (germline): Uncertain significance. Review status: criteria provided, multiple submitters, no conflicts (2 of 4 stars). 2 submissions from 2 submitters: Uncertain significance (2). Last evaluated 2025-11-06.

Conditions:
Inborn genetic diseases. Identifiers: MedGen C0950123, MeSH D030342.

Submissions (2):

Ambry Genetics
Classification: Uncertain significance for Inborn genetic diseases. Last evaluated: 2025-11-06. Review status: criteria provided, single submitter. Criteria: Ambry Variant Classification Scheme 2023. Collection method: clinical testing. Allele origin: germline.

Labcorp Genetics (formerly Invitae), Labcorp
Classification: Uncertain significance. Last evaluated: 2024-03-12. Review status: criteria provided, single submitter. Criteria: Invitae Variant Classification Sherloc (09022015). Collection method: clinical testing. Allele origin: germline.
Comment: This sequence change replaces tryptophan, which is neutral and slightly polar, with arginine, which is basic and polar, at codon 186 of the TMEM126B protein (p.Trp186Arg). This variant is present in population databases (no rsID available, gnomAD 0.0009%). This variant has not been reported in the literature in individuals affected with TMEM126B-related conditions. An algorithm developed to predict the effect of missense changes on protein structure and function (PolyPhen-2) suggests that this variant is likely to be disruptive. In summary, the available evidence is currently insufficient to determine the role of this variant in disease. Therefore, it has been classified as a Variant of Uncertain Significance.

NM_018480.7(TMEM126B):c.556T>C (p.Trp186Arg)

Gene: TMEM126B (transmembrane protein 126B; plus strand). Cytogenetic location: 11q14.1.
Variant type: single nucleotide variant.
Coding change: c.556T>C on transcript NM_018480.7 (MANE Select); coding-DNA position 556, T replaced by C.
Protein change: p.Trp186Arg; replaces tryptophan 186 with arginine.
Molecular consequence: missense variant. On other transcripts: non-coding transcript variant (2).
Genome position (GRCh38, 1-based): chr11:85,636,092, T>C. VCF-style: chr11-85636092-T-C. GRCh37 (hg19) VCF-style: chr11-85347136-T-C.
Other names: c.496T>C, p.Trp166Arg (NM_001193537.3); c.466T>C, p.Trp156Arg (NM_001193538.3, NM_001256546.2); c.418T>C, p.Trp140Arg (NM_001256547.2); c.331T>C, p.Trp111Arg (NM_001350393.1); c.556T>C (NM_018480.3); short protein forms W111R, W140R, W156R, W166R, W186R.
Identifiers: ClinVar variation 3614184 (VCV003614184.3).
Genomic context (GRCh38, chr11:85,636,092, plus strand): 5'-TTTTTTCTTTTTAGGTATCATACCGTTCCACTGCCACCAAAAGGAAGGGTTTTAATCCAT[T>C]GGATGACGCTTTGTCAAACACAAATGAAATTAATGGCGATTCCTCTAGTCTTTCAGATTA-3'
Protein context (NP_060950.3, residues 176-196): LPPKGRVLIH[Trp186Arg]MTLCQTQMKL